The following is an entry in ClinVar:

ClinVar aggregate classification (germline): Pathogenic. Review status: criteria provided, multiple submitters, no conflicts (2 of 4 stars). 2 submissions from 2 submitters: Pathogenic (2). Last evaluated 2024-06-18.

Conditions:
ERCC2-related disorder. Also called: ERCC2-related disorders; ERCC2-related conditions; ERCC2-related condition. Identifiers: MedGen CN239291.

Allele frequency attached by ClinVar (database versions not stated): TOPMed 0.00001; gnomAD 0.00001.
gnomAD v4.1: 8 of 1,613,502 alleles (0.0005%); highest among the groups gnomAD compares: Non-Finnish European, 0.00068%; no homozygotes.

Submissions (2):

Myriad Genetics, Inc.
Classification: Pathogenic for ERCC2-related disorder. Last evaluated: 2024-06-18. Review status: criteria provided, single submitter. Criteria: Myriad Autosomal Dominant, Autosomal Recessive and X-Linked Classification Criteria (2023). Collection method: clinical testing. Allele origin: unknown.
Comment: NM_000400.3(ERCC2):c.1753C>T(Q585*) is expected to be pathogenic in the context of ERCC2-related disorders. This variant is predicted to lead to an abnormal or absent protein product due to the creation of a premature termination codon in ERCC2, a gene where loss-of-function variants are known to be pathogenic. Please note: this variant was assessed in the context of healthy population screening.

Labcorp Genetics (formerly Invitae), Labcorp
Classification: Pathogenic. Last evaluated: 2023-02-01. Review status: criteria provided, single submitter. Criteria: Invitae Variant Classification Sherloc (09022015). Collection method: clinical testing. Allele origin: germline.
Comment: This sequence change creates a premature translational stop signal (p.Gln585*) in the ERCC2 gene. It is expected to result in an absent or disrupted protein product. Loss-of-function variants in ERCC2 are known to be pathogenic (PMID: 9238033, 11335038, 19085937, 19934020). This variant is not present in population databases (gnomAD no frequency). This variant has not been reported in the literature in individuals affected with ERCC2-related conditions. For these reasons, this variant has been classified as Pathogenic.

Literature cited by the submitters: PubMed 9238033 (cited by Labcorp Genetics (formerly Invitae), Labcorp); PubMed 11335038 (cited by Labcorp Genetics (formerly Invitae), Labcorp); PubMed 19085937 (cited by Labcorp Genetics (formerly Invitae), Labcorp); PubMed 19934020 (cited by Labcorp Genetics (formerly Invitae), Labcorp).

NM_000400.4(ERCC2):c.1753C>T (p.Gln585Ter)

Gene: ERCC2 (ERCC excision repair 2, TFIIH core complex helicase subunit; minus strand). Cytogenetic location: 19q13.32.
Variant type: single nucleotide variant.
Coding change: c.1753C>T on transcript NM_000400.4 (MANE Select); coding-DNA position 1753, C replaced by T.
Protein change: p.Gln585Ter; replaces glutamine 585 with a stop codon.
Molecular consequence: nonsense.
Genome position (GRCh38, 1-based): chr19:45,353,247, G>A on the plus strand (C>T on the coding strand, the complement: ERCC2 is on the minus strand). VCF-style: chr19-45353247-G-A. GRCh37 (hg19) VCF-style: chr19-45856505-G-A.
Other names: short protein forms Q585*.
Identifiers: ClinVar variation 2900330 (VCV002900330.4), dbSNP rs1033444972, ClinGen allele CA308952587.